The following is an entry in ClinVar:

NM_001709.5(BDNF):c.298del (p.Val100fs)

Genes: BDNF (brain derived neurotrophic factor; minus strand), BDNF-AS (BDNF antisense RNA; plus strand). Cytogenetic location: 11p14.1.
Variant type: Deletion.
Coding change: c.298del on transcript NM_001709.5 (MANE Select); coding-DNA position 298, one base deleted (G; older notation c.298delG).
Protein change: p.Val100fs; shifts the reading frame from valine 100.
Molecular consequence: frameshift variant. On other transcripts: non-coding transcript variant (5).
Genome position (GRCh38, 1-based): chr11:27,658,267, C deleted on the plus strand (G on the coding strand, the reverse complement: BDNF is on the minus strand). VCF-style (leftmost placement, unchanged base first): chr11-27658266-AC-A. GRCh37 (hg19) VCF-style: chr11-27679813-AC-A.
Other names: c.298del, p.Val100fs (NM_001143805.1, NM_001143806.1, NM_001143807.2 and 9 more transcripts); c.385del, p.Val129fs (NM_001143809.2); c.544del, p.Val182fs (NM_001143810.2); c.322del, p.Val108fs (NM_170731.5); c.343del, p.Val115fs (NM_170734.4); short protein forms V100fs, V115fs, V182fs, V108fs, V129fs.
Identifiers: ClinVar variation 4994790 (VCV004994790.1).

ClinVar aggregate classification (germline): Uncertain significance (1 of 4 stars; one submission).

Conditions:
BDNF-related disorder. Also called: BDNF-related condition.

Submission:

PreventionGenetics, part of Exact Sciences
Classification: Uncertain significance for BDNF-related condition. Last evaluated: 2026-04-03. Review status: criteria provided, single submitter. Criteria: ACMG Guidelines, 2015. Collection method: clinical testing. Allele origin: germline.
Comment: The BDNF c.544delG variant is predicted to result in a frameshift and premature protein termination (p.Val182Cysfs*18). To our knowledge, this variant has not been reported in the literature or in a large population database (gnomAD), indicating this variant is rare. At this time, the clinical significance of this variant is uncertain due to the absence of conclusive functional and genetic evidence.